The following is an entry in ClinVar:

ClinVar aggregate classification (germline): Pathogenic. Review status: reviewed by expert panel (3 of 4 stars). 9 submissions from 9 submitters: Pathogenic (1). 8 of the submissions do not count toward it. Last evaluated 2015-08-10.

Conditions:
Hereditary cancer-predisposing syndrome. Also called: Neoplastic Syndromes, Hereditary; Tumor predisposition; Hereditary neoplastic syndrome; Hereditary Cancer Syndrome. Identifiers: Orphanet 140162, MedGen C0027672, MeSH D009386, MONDO:0015356.
Hereditary breast ovarian cancer syndrome. Also called: Breast and ovarian cancer; Hereditary breast and/or ovarian cancer syndrome; Hereditary breast and ovarian cancer syndrome (HBOC); Hereditary breast and ovarian cancer; Hereditary breast and ovarian cancer syndrome; BRCA1- and BRCA2-Associated Hereditary Breast and Ovarian Cancer. Identifiers: Orphanet 145, MedGen C0677776, MeSH D061325, MONDO:0003582. Disease mechanism: loss of function.
Breast-ovarian cancer, familial, susceptibility to, 1 (BROVCA1). Also called: BRCA1 Hereditary Breast and Ovarian Cancer; OVARIAN CANCER, SUSCEPTIBILITY TO. Identifiers: Orphanet 145, MedGen C2676676, MONDO:0011450, OMIM 604370. Disease mechanism: loss of function.

Submissions (10):

Evidence-based Network for the Interpretation of Germline Mutant Alleles (ENIGMA)
Classification: Pathogenic for Breast-ovarian cancer, familial 1. Last evaluated: 2015-08-10. Review status: reviewed by expert panel. Criteria: ENIGMA BRCA1/2 Classification Criteria (2015). Collection method: curation. Allele origin: germline.
Comment: IARC class based on posterior probability from multifactorial likelihood analysis, thresholds for class as per Plon et al. 2008 (PMID: 18951446). Class 5 based on posterior probability = 1

Ambry Genetics
Classification: Likely pathogenic for Hereditary cancer-predisposing syndrome. Last evaluated: 2025-09-26. Review status: criteria provided, single submitter. Criteria: Ambry Variant Classification Scheme 2023. Collection method: clinical testing. Allele origin: germline. Not counted in ClinVar's aggregate classification.
Comment: The p.M1775K variant (also known as c.5324T>A), located in coding exon 19 of the BRCA1 gene, results from a T to A substitution at nucleotide position 5324. The methionine at codon 1775 is replaced by lysine, an amino acid with similar properties. In multiple assays testing BRCA1 function, this variant showed functionally abnormal results (Findlay GM et al. Nature. 2018 10;562:217-222; Lee MS et al. Cancer Res. 2010 Jun;70:4880-90; Tischkowitz M et al. Eur. J. Hum. Genet. 2008 Jul;16:820-32; Drikos I et al. Proteins. 2009 Nov;77:464-76). This amino acid position is highly conserved in available vertebrate species. In addition, this alteration is predicted to be deleterious by in silico analysis. Based on the majority of available evidence to date, this variant is likely to be pathogenic

Labcorp Genetics (formerly Invitae), Labcorp
Classification: Pathogenic for Hereditary breast ovarian cancer syndrome. Last evaluated: 2024-11-13. Review status: criteria provided, single submitter. Criteria: Invitae Variant Classification Sherloc (09022015). Collection method: clinical testing. Allele origin: germline. Not counted in ClinVar's aggregate classification.
Comment: This sequence change replaces methionine, which is neutral and non-polar, with lysine, which is basic and polar, at codon 1775 of the BRCA1 protein (p.Met1775Lys). This variant is not present in population databases (gnomAD no frequency). This missense change has been observed in individual(s) with breast cancer (PMID: 18285836). It has also been observed to segregate with disease in related individuals. ClinVar contains an entry for this variant (Variation ID: 17695). Invitae Evidence Modeling incorporating data from in vitro experimental studies (PMID: 30209399) indicates that this missense variant is expected to disrupt BRCA1 function with a positive predictive value of 95%. Experimental studies have shown that this missense change affects BRCA1 function (PMID: 18285836, 20516115, 30209399). This variant disrupts the p.Met1775 amino acid residue in BRCA1. Other variant(s) that disrupt this residue have been determined to be pathogenic (PMID: 793963, 7545954, 12400015, 19493677, 20516115, 22144684). This suggests that this residue is clinically significant, and that variants that disrupt this residue are likely to be disease-causing. For these reasons, this variant has been classified as Pathogenic.

Genetics and Molecular Pathology, SA Pathology
Classification: Pathogenic for Breast-ovarian cancer, familial, susceptibility to, 1. Last evaluated: 2021-06-02. Review status: criteria provided, single submitter. Criteria: ACMG Guidelines, 2015. Collection method: clinical testing. Allele origin: germline. Not counted in ClinVar's aggregate classification.
Comment: The BRCA1 c.5324T>A variant is classified as Pathogenic (PS3, PM2, PM5, PP3, PP5)

Color Diagnostics, LLC DBA Color Health
Classification: Likely pathogenic for Hereditary cancer-predisposing syndrome. Last evaluated: 2020-09-15. Review status: criteria provided, single submitter. Criteria: ACMG Guidelines, 2015. Collection method: clinical testing. Allele origin: germline. Not counted in ClinVar's aggregate classification.
Comment: This missense variant replaces methionine with lysine at codon 1775 in the BRCT2 domain of the BRCA1 protein. Computational prediction suggests that this variant may have deleterious impact on protein structure and function (internally defined REVEL score threshold >= 0.7, PMID: 27666373). Functional studies have shown that the mutant protein is highly defective for specific phosphopeptide recognition and transcriptional activity (PMID: 18285836, 20516115). This variant has also been reported to cause loss of BRCA1 function in a haploid cell proliferation assay (PMID: 30209399). This variant has been observed in two individuals affected with familial breast cancer (PMID: 18285836) and reported to be disease-causing based on multifactorial likelihood analyses (PMID: 18285836, 21990134). This variant has not been identified in the general population by the Genome Aggregation Database (gnomAD). A different variant occurring at the same codon, p.Met1775Arg, is a well documented pathogenic mutation (Clinvar variation ID: 17694), indicating that methionine at this position is important for BRCA1 protein function. Based on the available evidence, this variant is classified as Likely Pathogenic.

Consortium of Investigators of Modifiers of BRCA1/2 (CIMBA), c/o University of Cambridge
Classification: Pathogenic for Breast-ovarian cancer, familial, susceptibility to, 1. Last evaluated: 2015-10-02. Review status: criteria provided, single submitter. Criteria: CIMBA Mutation Classification guidelines May 2016. Collection method: clinical testing. Allele origin: germline. Not counted in ClinVar's aggregate classification.

Research Molecular Genetics Laboratory, Women's College Hospital, University of Toronto
Classification: Pathogenic for Hereditary breast ovarian cancer syndrome. Last evaluated: 2014-01-31. Review status: no assertion criteria provided. Collection method: research. Allele origin: germline. Affected: yes. Study: The Canadian Open Genetics Repository (COGR). Not counted in ClinVar's aggregate classification.

Sharing Clinical Reports Project (SCRP)
Classification: Likely pathogenic for Breast-ovarian cancer, familial 1. Last evaluated: 2010-06-21. Review status: no assertion criteria provided. Collection method: clinical testing. Allele origin: germline. Not counted in ClinVar's aggregate classification.

OMIM
Classification: Pathogenic for BREAST-OVARIAN CANCER, FAMILIAL, SUSCEPTIBILITY TO, 1. Last evaluated: 2008-07-01. Review status: no assertion criteria provided. Collection method: literature only. Allele origin: germline. Not counted in ClinVar's aggregate classification.

Brotman Baty Institute, University of Washington
No classification provided (evidence only). Condition: Breast-ovarian cancer, familial 1. Review status: no classification provided. Collection method: in vitro. Allele origin: not applicable. Functional consequence: functionally_abnormal. Not counted in ClinVar's aggregate classification.
ClinVar note: "not provided" was previously submitted as the classification for the variant. However, the classification appeared to be based only on an observation of functional data so it was converted to no classification on 2025-07-30.

Literature cited by the submitters: PubMed 21990134 (cited by Evidence-based Network for the Interpretation of Germline Mutant Alleles (ENIGMA)); PubMed 18285836 (cited by 3 submitters); PubMed 19452558 (cited by Ambry Genetics); PubMed 20516115 (cited by Ambry Genetics and Labcorp Genetics (formerly Invitae), Labcorp); PubMed 30209399 (cited by Ambry Genetics and Labcorp Genetics (formerly Invitae), Labcorp); PubMed 34083286 (cited by Ambry Genetics); PubMed 793963 (cited by Labcorp Genetics (formerly Invitae), Labcorp); PubMed 7545954 (cited by Labcorp Genetics (formerly Invitae), Labcorp); PubMed 12400015 (cited by Labcorp Genetics (formerly Invitae), Labcorp); PubMed 19493677 (cited by Labcorp Genetics (formerly Invitae), Labcorp); PubMed 22144684 (cited by Labcorp Genetics (formerly Invitae), Labcorp).

NM_007294.4(BRCA1):c.5324T>A (p.Met1775Lys)

Gene: BRCA1 (BRCA1 DNA repair associated; minus strand). Cytogenetic location: 17q21.31.
Variant type: single nucleotide variant.
Coding change: c.5324T>A on transcript NM_007294.4 (MANE Select); coding-DNA position 5324, T replaced by A.
Protein change: p.Met1775Lys; replaces methionine 1775 with lysine.
Molecular consequence: missense variant. On other transcripts: non-coding transcript variant (1).
Genome position (GRCh38, 1-based): chr17:43,051,071, A>T on the plus strand (T>A on the coding strand, the complement: BRCA1 is on the minus strand). VCF-style: chr17-43051071-A-T. GRCh37 (hg19) VCF-style: chr17-41203088-A-T.
Other names: 5443T>A; c.5111T>A, p.Met1704Lys (NM_001407571.1, NM_001407894.1, NM_001407895.1 and 12 more transcripts); c.5390T>A, p.Met1797Lys (NM_001407581.1, NM_001407582.1); c.5387T>A, p.Met1796Lys (NM_001407583.1, NM_001407585.1, NM_001407587.1 and 1 more transcripts); c.5384T>A, p.Met1795Lys (NM_001407590.1, NM_001407591.1); c.5324T>A, p.Met1775Lys (NM_001407593.1, NM_001407594.1, NM_001407596.1 and 6 more transcripts); c.5321T>A, p.Met1774Lys (NM_001407610.1, NM_001407621.1, NM_001407622.1 and 17 more transcripts); c.5318T>A, p.Met1773Lys (NM_001407627.1, NM_001407628.1, NM_001407629.1 and 14 more transcripts); and 73 more; short protein forms M1775K, M1728K, M671K, M1796K, M1479K, M1647K, M1685K, M1704K.
Identifiers: ClinVar variation 17695 (VCV000017695.16), dbSNP rs41293463, ClinGen allele CA003476.
Genomic context (GRCh38, chr17:43,051,071, plus strand): 5'-TATGTAAGACAAAGGCTGGTGCTGGAACTCTGGGGTTCTCCCAGGCTCTTACCTGTGGGC[A>T]TGTTGGTGAAGGGCCCATAGCAACAGATTTCTAGCCCCCTGAAGATCTGGAAGAAGAGAG-3'
Protein context (NP_009225.1, residues 1765-1785): EICCYGPFTN[Met1775Lys]PTDQLEWMVQ